The following is an entry in ClinVar:

ClinVar aggregate classification (germline): Pathogenic. Review status: criteria provided, multiple submitters, no conflicts (2 of 4 stars). 3 submissions from 3 submitters: Pathogenic (2). 1 of the submissions does not count toward it. Last evaluated 2025-11-16.

Conditions:
MPZ-related disorder. Also called: MPZ-related condition; MPZ-related disorders.
Charcot-Marie-Tooth disease. Also called: Charcot-Marie-Tooth Hereditary Neuropathy; Charcot-Marie-Tooth Neuropathy. Identifiers: Orphanet 166, MedGen C0007959, MONDO:0015626.
Charcot-Marie-Tooth disease, type I (CMT1). Also called: Charcot-Marie-Tooth, Type 1; Charcot-Marie-Tooth disease type 1. Identifiers: Orphanet 65753, MedGen C0751036, MONDO:0019011.

Allele frequency attached by ClinVar (database versions not stated): gnomAD exomes below 0.00001; TOPMed below 0.00001; gnomAD 0.00001.

Submissions (3):

Labcorp Genetics (formerly Invitae), Labcorp
Classification: Pathogenic for Charcot-Marie-Tooth disease, type I. Last evaluated: 2025-11-16. Review status: criteria provided, single submitter. Criteria: Invitae Variant Classification Sherloc (09022015). Collection method: clinical testing. Allele origin: germline.
Comment: This sequence change creates a premature translational stop signal (p.Leu144Argfs*18) in the MPZ gene. It is expected to result in an absent or disrupted protein product. Loss-of-function variants in MPZ are known to be pathogenic (PMID: 14711881). This variant is not present in population databases (gnomAD no frequency). This premature translational stop signal has been observed in individual(s) with Charcot-Marie-Tooth disease type 1 (PMID: 20516806). ClinVar contains an entry for this variant (Variation ID: 631569). Algorithms developed to predict the effect of sequence changes on RNA splicing suggest that this variant may create or strengthen a splice site. For these reasons, this variant has been classified as Pathogenic.

Blueprint Genetics
Classification: Pathogenic for MPZ-related disorders. Last evaluated: 2024-08-06. Review status: criteria provided, single submitter. Criteria: ACMG Guidelines, 2015. Collection method: clinical testing. Allele origin: germline. Affected: yes. Observed: 1 variant allele.

Inherited Neuropathy Consortium
Classification: Uncertain significance for Charcot-Marie-Tooth disease. Review status: no assertion criteria provided. Collection method: literature only. Allele origin: germline. Affected: yes. Not counted in ClinVar's aggregate classification.

Literature cited by the submitters: PubMed 14711881 (cited by Labcorp Genetics (formerly Invitae), Labcorp); PubMed 20516806 (cited by Labcorp Genetics (formerly Invitae), Labcorp and Inherited Neuropathy Consortium).

NM_000530.8(MPZ):c.431del (p.Leu144fs)

Gene: MPZ (myelin protein zero; minus strand). Cytogenetic location: 1q23.3.
Variant type: Deletion.
Coding change: c.431del on transcript NM_000530.8 (MANE Select); coding-DNA position 431, one base deleted (T; older notation c.431delT).
Protein change: p.Leu144fs; shifts the reading frame from leucine 144.
Molecular consequence: frameshift variant.
Genome position (GRCh38, 1-based): chr1:161,306,725, A deleted on the plus strand (T on the coding strand, the reverse complement: MPZ is on the minus strand). VCF-style (leftmost placement, unchanged base first): chr1-161306724-CA-C. GRCh37 (hg19) VCF-style: chr1-161276514-CA-C.
Other names: c.431del (NM_000530.6, LRG_256t1); c.431del, p.Leu144fs (NM_001315491.2); short protein forms L144fs.
Identifiers: ClinVar variation 631569 (VCV000631569.16), dbSNP rs1182353109, ClinGen allele CA890183445.